The following is an entry in ClinVar:

NM_015378.4(VPS13D):c.5878C>T (p.Arg1960Trp)

Gene: VPS13D (vacuolar protein sorting 13 homolog D; plus strand). Cytogenetic location: 1p36.22.
Variant type: single nucleotide variant.
Coding change: c.5878C>T on transcript NM_015378.4 (MANE Select); coding-DNA position 5878, C replaced by T.
Protein change: p.Arg1960Trp; replaces arginine 1960 with tryptophan.
Molecular consequence: missense variant.
Genome position (GRCh38, 1-based): chr1:12,293,549, C>T. VCF-style: chr1-12293549-C-T. GRCh37 (hg19) VCF-style: chr1-12353606-C-T.
Other names: c.5878C>T, p.Arg1960Trp (NM_018156.4); c.5878C>T (NM_015378.2); short protein forms R1960W.
Identifiers: ClinVar variation 2172717 (VCV002172717.3), dbSNP rs148423576, ClinGen allele CA602453.

ClinVar aggregate classification (germline): Uncertain significance. Review status: criteria provided, multiple submitters, no conflicts (2 of 4 stars). 2 submissions from 2 submitters: Uncertain significance (2). Last evaluated 2024-12-11.

Conditions:
Inborn genetic diseases. Identifiers: MedGen C0950123, MeSH D030342.

Allele frequency attached by ClinVar (database versions not stated): gnomAD exomes 0.00001; ExAC 0.00004; TOPMed 0.00006; gnomAD 0.00008; ESP Exome Variant Server 0.00015.
gnomAD v4.1: 25 of 1,612,860 alleles (0.0016%); highest among the groups gnomAD compares: African/African-American, 0.017%; no homozygotes.

Submissions (2):

Ambry Genetics
Classification: Uncertain significance for Inborn genetic diseases. Last evaluated: 2024-12-11. Review status: criteria provided, single submitter. Criteria: Ambry Variant Classification Scheme 2023. Collection method: clinical testing. Allele origin: germline.

Labcorp Genetics (formerly Invitae), Labcorp
Classification: Uncertain significance. Last evaluated: 2022-09-16. Review status: criteria provided, single submitter. Criteria: Invitae Variant Classification Sherloc (09022015). Collection method: clinical testing. Allele origin: germline.
Comment: This sequence change replaces arginine, which is basic and polar, with tryptophan, which is neutral and slightly polar, at codon 1960 of the VPS13D protein (p.Arg1960Trp). This variant is present in population databases (rs148423576, gnomAD 0.02%). This variant has not been reported in the literature in individuals affected with VPS13D-related conditions. Advanced modeling of protein sequence and biophysical properties (such as structural, functional, and spatial information, amino acid conservation, physicochemical variation, residue mobility, and thermodynamic stability) performed at Invitae indicates that this missense variant is not expected to disrupt VPS13D protein function. In summary, the available evidence is currently insufficient to determine the role of this variant in disease. Therefore, it has been classified as a Variant of Uncertain Significance.